The following is an entry in ClinVar:

NM_004104.5(FASN):c.1067A>C (p.Asn356Thr)

Gene: FASN (fatty acid synthase; minus strand). Cytogenetic location: 17q25.3.
Variant type: single nucleotide variant.
Coding change: c.1067A>C on transcript NM_004104.5 (MANE Select); coding-DNA position 1067, A replaced by C.
Protein change: p.Asn356Thr; replaces asparagine 356 with threonine.
Molecular consequence: missense variant.
Genome position (GRCh38, 1-based): chr17:82,091,647, T>G on the plus strand (A>C on the coding strand, the complement: FASN is on the minus strand). VCF-style: chr17-82091647-T-G. GRCh37 (hg19) VCF-style: chr17-80049523-T-G.
Other names: short protein forms N356T.
Identifiers: ClinVar variation 4764892 (VCV004764892.1).
Genomic context (GRCh38, chr17:82,091,647, plus strand): 5'-ACCTGCAGCCGCCCATCCAACAGCGCTGGGATCTCAGGGTTGGGGCTATGGAAGTGCAGG[T>G]TGGGGGCCCAGAGCCCGTGCTCCAGGGACAGCAGCACCTGCGGGGGTACGTGGTGGATGG-3'
Protein context (NP_004095.4, residues 346-366): LSLEHGLWAP[Asn356Thr]LHFHSPNPEI

ClinVar aggregate classification (germline): Uncertain significance (1 of 4 stars; one submission).

Conditions:
Epileptic encephalopathy. Identifiers: MedGen C0543888, HP:0200134.

Submission:

Labcorp Genetics (formerly Invitae), Labcorp
Classification: Uncertain significance for Epileptic encephalopathy. Last evaluated: 2025-11-23. Review status: criteria provided, single submitter. Criteria: Invitae Variant Classification Sherloc (09022015). Collection method: clinical testing. Allele origin: germline.
Comment: This sequence change replaces asparagine, which is neutral and polar, with threonine, which is neutral and polar, at codon 356 of the FASN protein (p.Asn356Thr). This variant is not present in population databases (gnomAD no frequency). This variant has not been reported in the literature in individuals affected with FASN-related conditions. An algorithm developed to predict the effect of missense changes on protein structure and function (PolyPhen-2) suggests that this variant is likely to be disruptive. In summary, the available evidence is currently insufficient to determine the role of this variant in disease. Therefore, it has been classified as a Variant of Uncertain Significance.